The following is an entry in ClinVar:

ClinVar aggregate classification (germline): Conflicting classifications of pathogenicity. Review status: criteria provided, conflicting classifications (1 of 4 stars). 7 submissions from 7 submitters: Uncertain significance (1); Benign (1); Likely benign (4). 1 of the submissions does not count toward it. Last evaluated 2025-12-16.

Conditions:
Inborn genetic diseases. Identifiers: MedGen C0950123, MeSH D030342.
Astrocytoma. Also called: Astrocytoma (excluding glioblastoma). Identifiers: MedGen C0004114, MeSH D001254, MONDO:0019781, HP:0009592.
ARID1A-related disorder. Also called: ARID1A-related condition.

Submissions (7):

Labcorp Genetics (formerly Invitae), Labcorp
Classification: Likely benign. Last evaluated: 2025-12-16. Review status: criteria provided, single submitter. Criteria: Invitae Variant Classification Sherloc (09022015). Collection method: clinical testing. Allele origin: germline.

CeGaT Center for Human Genetics Tuebingen
Classification: Benign. Last evaluated: 2025-11-01. Review status: criteria provided, single submitter. Criteria: CeGaT Center For Human Genetics Tuebingen Variant Classification Criteria Version 2. Collection method: clinical testing. Allele origin: germline. Affected: yes. Observed: 1 variant allele.
Comment: ARID1A: PM4:Supporting, BS1, BS2

Ambry Genetics
Classification: Likely benign for Inborn genetic diseases. Last evaluated: 2022-09-20. Review status: criteria provided, single submitter. Criteria: Ambry Variant Classification Scheme 2023. Collection method: clinical testing. Allele origin: germline.

GeneDx
Classification: Likely benign. Last evaluated: 2021-02-24. Review status: criteria provided, single submitter. Criteria: GeneDx Variant Classification Process June 2021. Collection method: clinical testing. Allele origin: germline. Affected: yes.

Genetic Services Laboratory, University of Chicago
Classification: Likely benign. Last evaluated: 2016-04-25. Review status: criteria provided, single submitter. Criteria: ACMG Guidelines, 2015. Collection method: clinical testing. Allele origin: germline. Affected: no.

Laboratory of Molecular Neuropathology, The University of Texas Health Science Center at Houston
Classification: Uncertain significance for Astrocytoma. Review status: criteria provided, single submitter. Criteria: ACMG Guidelines, 2015. Collection method: clinical testing. Allele origin: somatic. Affected: yes.

PreventionGenetics, part of Exact Sciences
Classification: Likely benign for ARID1A-related condition. Last evaluated: 2022-08-02. Review status: no assertion criteria provided. Collection method: clinical testing. Allele origin: germline. Not counted in ClinVar's aggregate classification.
Comment: This variant is classified as likely benign based on ACMG/AMP sequence variant interpretation guidelines (Richards et al. 2015 PMID: 25741868, with internal and published modifications).

NM_006015.6(ARID1A):c.48GCC[6] (p.Pro21dup)

Gene: ARID1A (AT-rich interaction domain 1A; plus strand). Cytogenetic location: 1p36.11.
Variant type: Microsatellite.
Coding change: c.48GCC[6] on transcript NM_006015.6 (MANE Select); six copies in a row of the 3-base unit GCC starting at c.48; the reference has five copies in a row; one copy, 3 bases duplicated.
Protein change: p.Pro21dup; duplicates proline 21.
Molecular consequence: inframe insertion.
Genome position (GRCh38, 1-based): chr1:26,696,463-26,696,465, GCC duplicated; duplicating any 3 consecutive bases within chr1:26,696,449-26,696,465 gives the same sequence; the position shown is the placement nearest the transcript's 3' end. VCF-style (leftmost placement, unchanged base first): chr1-26696448-C-CCCG. GRCh37 (hg19) VCF-style: chr1-27022939-C-CCCG.
Other names: c.48GCC[6], p.Pro21dup (NM_139135.4); c.60_62dupGCC (NM_006015.4).
Identifiers: ClinVar variation 434329 (VCV000434329.26), dbSNP rs748085214, ClinGen allele CA521909929.